The following is an entry in ClinVar:

ClinVar aggregate classification (germline): Uncertain significance. Review status: criteria provided, multiple submitters, no conflicts (2 of 4 stars). 2 submissions from 2 submitters: Uncertain significance (2). Last evaluated 2022-07-12.

Conditions:
Hereditary nonpolyposis colorectal neoplasms. Identifiers: MedGen C0009405, MeSH D003123.
Hereditary cancer-predisposing syndrome. Also called: Hereditary Cancer Syndrome; Neoplastic Syndromes, Hereditary; Tumor predisposition; Hereditary neoplastic syndrome. Identifiers: Orphanet 140162, MedGen C0027672, MeSH D009386, MONDO:0015356.

Allele frequency attached by ClinVar (database versions not stated): gnomAD exomes below 0.00001.
gnomAD v4.1: 1 of 1,614,142 alleles (0.000062%); highest among the groups gnomAD compares: Non-Finnish European, 0.000085%; no homozygotes.

Submissions (2):

Labcorp Genetics (formerly Invitae), Labcorp
Classification: Uncertain significance for Hereditary nonpolyposis colorectal neoplasms. Last evaluated: 2022-07-12. Review status: criteria provided, single submitter. Criteria: Invitae Variant Classification Sherloc (09022015). Collection method: clinical testing. Allele origin: germline.
Comment: In summary, the available evidence is currently insufficient to determine the role of this variant in disease. Therefore, it has been classified as a Variant of Uncertain Significance. Advanced modeling of protein sequence and biophysical properties (such as structural, functional, and spatial information, amino acid conservation, physicochemical variation, residue mobility, and thermodynamic stability) performed at Invitae indicates that this missense variant is not expected to disrupt PMS2 protein function. ClinVar contains an entry for this variant (Variation ID: 480338). This variant has not been reported in the literature in individuals affected with PMS2-related conditions. This variant is not present in population databases (gnomAD no frequency). This sequence change replaces glutamine, which is neutral and polar, with arginine, which is basic and polar, at codon 208 of the PMS2 protein (p.Gln208Arg).

Ambry Genetics
Classification: Uncertain significance for Hereditary cancer-predisposing syndrome. Last evaluated: 2022-04-20. Review status: criteria provided, single submitter. Criteria: Ambry Variant Classification Scheme 2023. Collection method: clinical testing. Allele origin: germline.
Comment: The p.Q208R variant (also known as c.623A>G), located in coding exon 6 of the PMS2 gene, results from an A to G substitution at nucleotide position 623. The glutamine at codon 208 is replaced by arginine, an amino acid with highly similar properties. This amino acid position is highly conserved in available vertebrate species. In addition, the in silico prediction for this alteration is inconclusive. Since supporting evidence is limited at this time, the clinical significance of this alteration remains unclear.

NM_000535.7(PMS2):c.623A>G (p.Gln208Arg)

Gene: PMS2 (PMS1 homolog 2, mismatch repair system component; minus strand). Cytogenetic location: 7p22.1.
Variant type: single nucleotide variant.
Coding change: c.623A>G on transcript NM_000535.7 (MANE Select); coding-DNA position 623, A replaced by G.
Protein change: p.Gln208Arg; replaces glutamine 208 with arginine.
Molecular consequence: missense variant. On other transcripts: non-coding transcript variant (1), intron variant (1), 5 prime UTR variant (2).
Genome position (GRCh38, 1-based): chr7:5,999,190, T>C on the plus strand (A>G on the coding strand, the complement: PMS2 is on the minus strand). VCF-style: chr7-5999190-T-C. GRCh37 (hg19) VCF-style: chr7-6038821-T-C.
Other names: c.133-1767A>G (NM_001322013.2); c.218A>G, p.Gln73Arg (NM_001322003.2, NM_001322004.2, NM_001322005.2 and 2 more transcripts); c.623A>G, p.Gln208Arg (NM_001322006.2, NM_001322014.2); c.305A>G, p.Gln102Arg (NM_001322007.2, NM_001322008.2); c.-311A>G (NM_001322011.2, NM_001322012.2); c.314A>G, p.Gln105Arg (NM_001322015.2); short protein forms Q208R, Q105R, Q73R, Q102R.
Identifiers: ClinVar variation 480338 (VCV000480338.11), dbSNP rs1554302423, ClinGen allele CA366743966.
Genomic context (GRCh38, chr7:5,999,190, plus strand): 5'-CCGATATTTTCCTTTATGCTGGGGCTTCCACCTGTGCATACCACAGGCTGTCGTTTTCCT[T>C]GTCCAAGCTGATTGGTGCAACTTACACGGATGCCTGCTGAAATGATACAGTATGCATGTA-3'
Protein context (NP_000526.2, residues 198-218): IRVSCTNQLG[Gln208Arg]GKRQPVVCTG